The following is an entry in ClinVar:

NM_139058.3(ARX):c.1073G>A (p.Arg358Lys)

Gene: ARX (aristaless related homeobox; minus strand). Cytogenetic location: Xp21.3.
Variant type: single nucleotide variant.
Coding change: c.1073G>A on transcript NM_139058.3 (MANE Select); coding-DNA position 1073, G replaced by A.
Protein change: p.Arg358Lys; replaces arginine 358 with lysine.
Molecular consequence: missense variant.
Genome position (GRCh38, 1-based): chrX:25,012,922, C>T on the plus strand (G>A on the coding strand, the complement: ARX is on the minus strand). VCF-style: chrX-25012922-C-T. GRCh37 (hg19) VCF-style: chrX-25031039-C-T.
Other names: short protein forms R358K.
Identifiers: ClinVar variation 1333390 (VCV001333390.3), dbSNP rs2147323521, ClinGen allele CA412611822.
Genomic context (GRCh38, chrX:25,012,922, plus strand): 5'-CCTCCCTGGGGCCCGCGTGCGCTCTCTGCCGCTGCGACCGCGACCACCCTACGCGCATAC[C>T]TGGTGAAGACGTCCGGGTAGTGCGTCTTCTGGAAGGCCCGCTCCAGTTCCTCCAGCTGGT-3'
Protein context (NP_620689.1, residues 348-368): QKTHYPDVFT[Arg358Lys]EELAMRLDLT

ClinVar aggregate classification (germline): Uncertain significance (1 of 4 stars; one submission).

Conditions:
Developmental and epileptic encephalopathy, 1 (DEE1). Also called: X-linked infantile spasms; West's syndrome; Tonic spasms with clustering, arrest of psychomotor development and hypsarrhythmia on EEG; X-Linked Infantile Spasm Syndrome; OHTAHARA SYNDROME, X-LINKED; INFANTILE SPASM SYNDROME, X-LINKED 1. Identifiers: MedGen C3463992, MONDO:0010632, OMIM 308350. Disease mechanism: loss of function.

Submission:

3billion
Classification: Uncertain significance for Developmental and epileptic encephalopathy, 1. Last evaluated: 2023-08-28. Review status: criteria provided, single submitter. Criteria: ACMG Guidelines, 2015. Collection method: clinical testing. Allele origin: germline. Affected: yes.
Comment: The variant is not observed in the gnomAD v2.1.1 dataset. Predicted Consequence/Location: Missense variant In silico tool predictions suggest damaging effect of the variant on gene or gene product [REVEL: 0.75 (>=0.6, sensitivity 0.68 and specificity 0.92)]. Different missense changes at the same codon (p.Arg358Ser, p.Arg358Trp) have been reported to be associated with ARX related disorder (PMID: 21416597, 21496008). However the evidence of pathogenicity is insufficient at this time. Therefore, this variant is classified as uncertain significance according to the recommendation of ACMG/AMP guideline.

Literature cited by the submitters: PubMed 21416597.